The following is an entry in ClinVar:

ClinVar aggregate classification (germline): Likely benign. Review status: criteria provided, multiple submitters, no conflicts (2 of 4 stars). 2 submissions from 2 submitters: Likely benign (2). Last evaluated 2025-09-01.

Conditions:
Dextro-looped transposition of the great arteries. Also called: Dextrotransposition of the great arteries. Identifiers: Orphanet 860, MedGen C3531771, MONDO:0019443, OMIM 608808, HP:0031348.

gnomAD v4.1: 1 of 1,614,074 alleles (0.000062%); highest among the groups gnomAD compares: African/African-American, 0.0013%; no homozygotes.

Submissions (2):

CeGaT Center for Human Genetics Tuebingen
Classification: Likely benign. Last evaluated: 2025-09-01. Review status: criteria provided, single submitter. Criteria: CeGaT Center For Human Genetics Tuebingen Variant Classification Criteria Version 2. Collection method: clinical testing. Allele origin: germline. Affected: yes. Observed: 1 variant allele.
Comment: MED13L: BP4, BP7

Labcorp Genetics (formerly Invitae), Labcorp
Classification: Likely benign for Dextro-looped transposition of the great arteries. Last evaluated: 2024-05-23. Review status: criteria provided, single submitter. Criteria: Invitae Variant Classification Sherloc (09022015). Collection method: clinical testing. Allele origin: germline.

NM_015335.5(MED13L):c.5610T>C (p.Ser1870=)

Gene: MED13L (mediator complex subunit 13L; minus strand). Cytogenetic location: 12q24.21.
Variant type: single nucleotide variant.
Coding change: c.5610T>C on transcript NM_015335.5 (MANE Select); coding-DNA position 5610, T replaced by C.
Protein change: p.Ser1870=; no amino-acid change (serine 1870 retained).
Molecular consequence: synonymous variant.
Genome position (GRCh38, 1-based): chr12:115,975,292, A>G on the plus strand (T>C on the coding strand, the complement: MED13L is on the minus strand). VCF-style: chr12-115975292-A-G. GRCh37 (hg19) VCF-style: chr12-116413097-A-G.
Identifiers: ClinVar variation 3618571 (VCV003618571.9).